The following is an entry in ClinVar:

ClinVar aggregate classification (germline): Benign (1 of 4 stars; one submission).

Allele frequency attached by ClinVar (database versions not stated): gnomAD 0.46320 and 0.46777; TOPMed 0.47987; 1000 Genomes Project 30x 0.57167; 1000 Genomes Project 0.57748.
gnomAD v4.1: 70,280 of 150,612 alleles (47%); highest among the groups gnomAD compares: East Asian, 79%; 17,644 homozygotes.

Submission:

GeneDx
Classification: Benign. Last evaluated: 2018-06-18. Review status: criteria provided, single submitter. Criteria: GeneDx Variant Classification (06012015). Collection method: clinical testing. Allele origin: germline. Affected: yes.
Comment: This variant is considered likely benign or benign based on one or more of the following criteria: it is a conservative change, it occurs at a poorly conserved position in the protein, it is predicted to be benign by multiple in silico algorithms, and/or has population frequency not consistent with disease.

NM_020778.5(ALPK3):c.305-276C>T

Gene: ALPK3 (alpha kinase 3; plus strand). Cytogenetic location: 15q25.3.
Variant type: single nucleotide variant.
Coding change: c.305-276C>T on transcript NM_020778.5 (MANE Select); 276 bases into the intron before coding-DNA position 305, C replaced by T.
Molecular consequence: intron variant.
Genome position (GRCh38, 1-based): chr15:84,838,704, C>T. VCF-style: chr15-84838704-C-T. GRCh37 (hg19) VCF-style: chr15-85381935-C-T.
Identifiers: ClinVar variation 683071 (VCV000683071.1), dbSNP rs10852091, ClinGen allele CA14123384.
Genomic context (GRCh38, chr15:84,838,704, plus strand): 5'-TGGAGTCTCACTATCGCCTAGGCTAGAGTGCAGTGGCAAGATCTTGGCTCACTGCAACCT[C>T]GGACTCCTGGGTTCAAGCGATTCTCCTGCCTCAGCCTCTCAAGCAGCTGGGATTACAGGA-3'